The following is an entry in ClinVar:

NM_000748.3(CHRNB2):c.1319G>C (p.Ser440Thr)

Gene: CHRNB2 (cholinergic receptor nicotinic beta 2 subunit; plus strand). Cytogenetic location: 1q21.3.
Variant type: single nucleotide variant.
Coding change: c.1319G>C on transcript NM_000748.3 (MANE Select); coding-DNA position 1319, G replaced by C.
Protein change: p.Ser440Thr; replaces serine 440 with threonine.
Molecular consequence: missense variant.
Genome position (GRCh38, 1-based): chr1:154,572,142, G>C. VCF-style: chr1-154572142-G-C. GRCh37 (hg19) VCF-style: chr1-154544618-G-C.
Other names: short protein forms S440T.
Identifiers: ClinVar variation 2661979 (VCV002661979.1), dbSNP rs1187024375, ClinGen allele CA342631925.

ClinVar aggregate classification (germline): Uncertain significance (1 of 4 stars; one submission).

Submission:

GeneDx
Classification: Uncertain significance. Last evaluated: 2023-05-07. Review status: criteria provided, single submitter. Criteria: GeneDx Variant Classification Process June 2021. Collection method: clinical testing. Allele origin: germline. Affected: yes.
Comment: Not observed at significant frequency in large population cohorts (gnomAD); In silico analysis supports that this missense variant does not alter protein structure/function; Has not been previously published as pathogenic or benign to our knowledge